The following is an entry in ClinVar:

ClinVar aggregate classification (germline): Conflicting classifications of pathogenicity. Review status: criteria provided, conflicting classifications (1 of 4 stars). 2 submissions from 2 submitters: Likely pathogenic (1); Uncertain significance (1). Last evaluated 2024-07-30.

Conditions:
Charcot-Marie-Tooth disease type 2. Also called: Charcot-Marie-Tooth type 2. Identifiers: Orphanet 64746, MedGen C0270914, MONDO:0018993.

Submissions (2):

Labcorp Genetics (formerly Invitae), Labcorp
Classification: Likely pathogenic for Charcot-Marie-Tooth disease type 2. Last evaluated: 2024-07-30. Review status: criteria provided, single submitter. Criteria: Invitae Variant Classification Sherloc (09022015). Collection method: clinical testing. Allele origin: germline.
Comment: This sequence change replaces arginine, which is basic and polar, with histidine, which is basic and polar, at codon 89 of the LMNA protein (p.Arg89His). This variant is not present in population databases (gnomAD no frequency). This missense change has been observed in individual(s) with dilated cardiomyopathy (PMID: 27532257, 37652022). ClinVar contains an entry for this variant (Variation ID: 48059). Advanced modeling of protein sequence and biophysical properties (such as structural, functional, and spatial information, amino acid conservation, physicochemical variation, residue mobility, and thermodynamic stability) performed at Invitae indicates that this missense variant is expected to disrupt LMNA protein function with a positive predictive value of 95%. This variant disrupts the p.Arg89 amino acid residue in LMNA. Other variant(s) that disrupt this residue have been determined to be pathogenic (PMID: 12628721, 20160190, 21922471, 23582089, 23702046, 24623722, 26567375). This suggests that this residue is clinically significant, and that variants that disrupt this residue are likely to be disease-causing. In summary, the currently available evidence indicates that the variant is pathogenic, but additional data are needed to prove that conclusively. Therefore, this variant has been classified as Likely Pathogenic.

Laboratory for Molecular Medicine, Mass General Brigham Personalized Medicine
Classification: Uncertain significance. Last evaluated: 2010-04-23. Review status: criteria provided, single submitter. Criteria: LMM Criteria. Collection method: clinical testing. Allele origin: germline. Observed: 1 variant allele.
Comment: Variant classified as Uncertain Significance - Favor Pathogenic.

Literature cited by the submitters: PubMed 27532257 (cited by Labcorp Genetics (formerly Invitae), Labcorp); PubMed 37652022 (cited by Labcorp Genetics (formerly Invitae), Labcorp); PubMed 12628721 (cited by Labcorp Genetics (formerly Invitae), Labcorp); PubMed 20160190 (cited by Labcorp Genetics (formerly Invitae), Labcorp); PubMed 21922471 (cited by Labcorp Genetics (formerly Invitae), Labcorp); PubMed 23582089 (cited by Labcorp Genetics (formerly Invitae), Labcorp); PubMed 23702046 (cited by Labcorp Genetics (formerly Invitae), Labcorp); PubMed 24623722 (cited by Labcorp Genetics (formerly Invitae), Labcorp); PubMed 26567375 (cited by Labcorp Genetics (formerly Invitae), Labcorp).

NM_170707.4(LMNA):c.266G>A (p.Arg89His)

Gene: LMNA (lamin A/C; plus strand). Cytogenetic location: 1q22.
Variant type: single nucleotide variant.
Coding change: c.266G>A on transcript NM_170707.4 (MANE Select); coding-DNA position 266, G replaced by A.
Protein change: p.Arg89His; replaces arginine 89 with histidine.
Molecular consequence: missense variant.
Genome position (GRCh38, 1-based): chr1:156,115,184, G>A. VCF-style: chr1-156115184-G-A. GRCh37 (hg19) VCF-style: chr1-156084975-G-A.
Other names: c.266G>A, p.Arg89His (NM_001282625.2, NM_001282626.2, NM_005572.4 and 1 more transcripts); short protein forms R89H.
Identifiers: ClinVar variation 48059 (VCV000048059.6), dbSNP rs59040894, ClinGen allele CA017833.